The following is an entry in ClinVar:

NM_176824.3(BBS7):c.362T>A (p.Leu121His)

Gene: BBS7 (Bardet-Biedl syndrome 7; minus strand). Cytogenetic location: 4q27.
Variant type: single nucleotide variant.
Coding change: c.362T>A on transcript NM_176824.3 (MANE Select); coding-DNA position 362, T replaced by A.
Protein change: p.Leu121His; replaces leucine 121 with histidine.
Molecular consequence: missense variant.
Genome position (GRCh38, 1-based): chr4:121,859,158, A>T on the plus strand (T>A on the coding strand, the complement: BBS7 is on the minus strand). VCF-style: chr4-121859158-A-T. GRCh37 (hg19) VCF-style: chr4-122780313-A-T.
Other names: c.362T>A, p.Leu121His (NM_018190.4); short protein forms L121H.
Identifiers: ClinVar variation 1480857 (VCV001480857.6), dbSNP rs2149085046, ClinGen allele CA358043438.

ClinVar aggregate classification (germline): Uncertain significance (1 of 4 stars; one submission).

Conditions:
Bardet-Biedl syndrome (BBS). Identifiers: Orphanet 110, MedGen C0752166, MONDO:0015229.

Submission:

Labcorp Genetics (formerly Invitae), Labcorp
Classification: Uncertain significance for Bardet-Biedl syndrome. Last evaluated: 2022-06-27. Review status: criteria provided, single submitter. Criteria: Invitae Variant Classification Sherloc (09022015). Collection method: clinical testing. Allele origin: germline.
Comment: In summary, the available evidence is currently insufficient to determine the role of this variant in disease. Therefore, it has been classified as a Variant of Uncertain Significance. Algorithms developed to predict the effect of missense changes on protein structure and function (SIFT, PolyPhen-2, Align-GVGD) all suggest that this variant is likely to be disruptive. This variant has not been reported in the literature in individuals affected with BBS7-related conditions. This variant is not present in population databases (gnomAD no frequency). This sequence change replaces leucine, which is neutral and non-polar, with histidine, which is basic and polar, at codon 121 of the BBS7 protein (p.Leu121His).